The following is an entry in ClinVar:

NM_001376.5(DYNC1H1):c.2718+6G>A

Gene: DYNC1H1 (dynein cytoplasmic 1 heavy chain 1; plus strand). Cytogenetic location: 14q32.31.
Variant type: single nucleotide variant.
Coding change: c.2718+6G>A on transcript NM_001376.5 (MANE Select); 6 bases into the intron after coding-DNA position 2718, G replaced by A.
Molecular consequence: intron variant.
Genome position (GRCh38, 1-based): chr14:101,987,638, G>A. VCF-style: chr14-101987638-G-A. GRCh37 (hg19) VCF-style: chr14-102453975-G-A.
Identifiers: ClinVar variation 1980059 (VCV001980059.4), dbSNP rs2503698836, ClinGen allele CA2575627039.

ClinVar aggregate classification (germline): Uncertain significance (1 of 4 stars; one submission).

Conditions:
Charcot-Marie-Tooth disease axonal type 2O. Also called: CHARCOT-MARIE-TOOTH NEUROPATHY, AXONAL, TYPE 2O; CHARCOT-MARIE-TOOTH DISEASE, AXONAL, AUTOSOMAL DOMINANT, TYPE 2O; Charcot-Marie-Tooth Neuropathy Type 2O; Charcot-Marie-Tooth disease, axonal, type 20. Identifiers: Orphanet 284232, MedGen C3280220, MONDO:0013644, OMIM 614228.

Allele frequency attached by ClinVar (database versions not stated): gnomAD exomes 0.00001.
gnomAD v4.1: 15 of 1,614,018 alleles (0.00093%); highest among the groups gnomAD compares: Non-Finnish European, 0.0013%; no homozygotes.

Submission:

Labcorp Genetics (formerly Invitae), Labcorp
Classification: Uncertain significance for Charcot-Marie-Tooth disease axonal type 2O. Last evaluated: 2022-11-24. Review status: criteria provided, single submitter. Criteria: Invitae Variant Classification Sherloc (09022015). Collection method: clinical testing. Allele origin: germline.
Comment: This sequence change falls in intron 9 of the DYNC1H1 gene. It does not directly change the encoded amino acid sequence of the DYNC1H1 protein. It affects a nucleotide within the consensus splice site. This variant is not present in population databases (gnomAD no frequency). This variant has not been reported in the literature in individuals affected with DYNC1H1-related conditions. Variants that disrupt the consensus splice site are a relatively common cause of aberrant splicing (PMID: 17576681, 9536098). Algorithms developed to predict the effect of sequence changes on RNA splicing suggest that this variant is not likely to affect RNA splicing. In summary, the available evidence is currently insufficient to determine the role of this variant in disease. Therefore, it has been classified as a Variant of Uncertain Significance.

Literature cited by the submitters: PubMed 17576681; PubMed 9536098.